The following is an entry in ClinVar:

NM_206862.4(TACC2):c.3504C>T (p.Ser1168=)

Gene: TACC2 (transforming acidic coiled-coil containing protein 2; plus strand). Cytogenetic location: 10q26.13.
Variant type: single nucleotide variant.
Coding change: c.3504C>T on transcript NM_206862.4 (MANE Select); coding-DNA position 3504, C replaced by T.
Protein change: p.Ser1168=; no amino-acid change (serine 1168 retained).
Molecular consequence: synonymous variant. On other transcripts: intron variant (1).
Genome position (GRCh38, 1-based): chr10:122,086,004, C>T. VCF-style: chr10-122086004-C-T. GRCh37 (hg19) VCF-style: chr10-123845519-C-T.
Other names: c.3504C>T, p.Ser1168= (NM_001291876.2, NM_001291877.2); c.146+35454C>T (NM_206861.3).
Identifiers: ClinVar variation 2640897 (VCV002640897.24), dbSNP rs775114861, ClinGen allele CA5722935.

ClinVar aggregate classification (germline): Likely benign (1 of 4 stars; one submission).

Allele frequency attached by ClinVar (database versions not stated): gnomAD 0.00001; gnomAD exomes 0.00002; TOPMed 0.00002; ExAC 0.00004.
gnomAD v4.1: 36 of 1,613,774 alleles (0.0022%); highest among the groups gnomAD compares: South Asian, 0.0088%; no homozygotes.

Submission:

CeGaT Center for Human Genetics Tuebingen
Classification: Likely benign. Last evaluated: 2022-04-01. Review status: criteria provided, single submitter. Criteria: CeGaT Center For Human Genetics Tuebingen Variant Classification Criteria Version 2. Collection method: clinical testing. Allele origin: germline. Affected: yes. Observed: 1 variant allele.
Comment: TACC2: BP4, BP7